The following is an entry in ClinVar:

NM_001354604.2(MITF):c.1567G>C (p.Glu523Gln)

Gene: MITF (melanocyte inducing transcription factor; plus strand). Cytogenetic location: 3p13.
Variant type: single nucleotide variant.
Coding change: c.1567G>C on transcript NM_001354604.2 (MANE Select); coding-DNA position 1567, G replaced by C.
Protein change: p.Glu523Gln; replaces glutamic acid 523 with glutamine.
Molecular consequence: missense variant.
Genome position (GRCh38, 1-based): chr3:69,965,234, G>C. VCF-style: chr3-69965234-G-C. GRCh37 (hg19) VCF-style: chr3-70014385-G-C.
Other names: c.1246G>C, p.Glu416Gln (NM_000248.4); c.1393G>C, p.Glu465Gln (NM_001184967.2, NM_001354608.2); c.1564G>C, p.Glu522Gln (NM_001354605.2); c.1546G>C, p.Glu516Gln (NM_001354606.2, NM_006722.3); c.1498G>C, p.Glu500Gln (NM_001354607.2); c.1228G>C, p.Glu410Gln (NM_198158.3); c.1549G>C, p.Glu517Gln (NM_198159.3); c.1501G>C, p.Glu501Gln (NM_198177.3); and 1 more; short protein forms E354Q, E410Q, E500Q, E416Q, E516Q, E517Q, E465Q, E501Q.
Identifiers: ClinVar variation 4793668 (VCV004793668.1).

ClinVar aggregate classification (germline): Uncertain significance (1 of 4 stars; one submission).

Conditions:
Tietz syndrome (TADS). Also called: TIETZ ALBINISM-DEAFNESS SYNDROME; HYPOPIGMENTATION/DEAFNESS OF TIETZ; ALBINISM-DEAFNESS OF TIETZ. Identifiers: Orphanet 42665, MedGen C0391816, MONDO:0007077, OMIM 103500.
Melanoma, cutaneous malignant, susceptibility to, 8. Also called: MELANOMA AND RENAL CELL CARCINOMA, SUSCEPTIBILITY TO; Cutaneous malignant melanoma 8. Identifiers: Orphanet 293822, MedGen C3152204, MONDO:0013759, OMIM 614456.
Waardenburg syndrome type 2A (WS2A). Also called: WAARDENBURG SYNDROME WITHOUT DYSTOPIA CANTHORUM. Identifiers: Orphanet 3440, MedGen C1860339, MONDO:0008671, OMIM 193510.

gnomAD v4.1: 1 of 1,613,840 alleles (0.000062%); highest among the groups gnomAD compares: Non-Finnish European, 0.000085%; no homozygotes.

Submission:

Labcorp Genetics (formerly Invitae), Labcorp
Classification: Uncertain significance for Melanoma, cutaneous malignant, susceptibility to, 8; Waardenburg syndrome type 2A; Tietz syndrome. Last evaluated: 2025-06-11. Review status: criteria provided, single submitter. Criteria: Invitae Variant Classification Sherloc (09022015). Collection method: clinical testing. Allele origin: germline.
Comment: This sequence change replaces glutamic acid, which is acidic and polar, with glutamine, which is neutral and polar, at codon 416 of the MITF protein (p.Glu416Gln). This variant is not present in population databases (gnomAD no frequency). This variant has not been reported in the literature in individuals affected with MITF-related conditions. An algorithm developed to predict the effect of missense changes on protein structure and function (PolyPhen-2) suggests that this variant is likely to be tolerated. In summary, the available evidence is currently insufficient to determine the role of this variant in disease. Therefore, it has been classified as a Variant of Uncertain Significance.